The following is an entry in ClinVar:

NM_144631.6(ZNF513):c.950G>A (p.Arg317Gln)

Gene: ZNF513 (zinc finger protein 513; minus strand). Cytogenetic location: 2p23.3.
Variant type: single nucleotide variant.
Coding change: c.950G>A on transcript NM_144631.6 (MANE Select); coding-DNA position 950, G replaced by A.
Protein change: p.Arg317Gln; replaces arginine 317 with glutamine.
Molecular consequence: missense variant.
Genome position (GRCh38, 1-based): chr2:27,378,221, C>T on the plus strand (G>A on the coding strand, the complement: ZNF513 is on the minus strand). VCF-style: chr2-27378221-C-T. GRCh37 (hg19) VCF-style: chr2-27601088-C-T.
Other names: c.764G>A, p.Arg255Gln (NM_001201459.2); short protein forms R317Q, R255Q.
Identifiers: ClinVar variation 335554 (VCV000335554.17), dbSNP rs201047611, ClinGen allele CA1577893.

ClinVar aggregate classification (germline): Uncertain significance. Review status: criteria provided, multiple submitters, no conflicts (2 of 4 stars). 5 submissions from 5 submitters: Uncertain significance (5). Last evaluated 2025-01-21.

Conditions:
Retinitis pigmentosa (RP). Identifiers: Orphanet 791, MedGen C0035334, MeSH D012174, MONDO:0019200, OMIM 268000. Inheritance: Autosomal dominant, autosomal recessive and X linked inheritance.

Allele frequency attached by ClinVar (database versions not stated): ESP Exome Variant Server 0.00008; gnomAD 0.00014 and 0.00016; TOPMed 0.00015; ExAC 0.00018; gnomAD exomes 0.00020 and 0.00021.

Submissions (6):

Labcorp Genetics (formerly Invitae), Labcorp
Classification: Uncertain significance. Last evaluated: 2025-01-21. Review status: criteria provided, single submitter. Criteria: Invitae Variant Classification Sherloc (09022015). Collection method: clinical testing. Allele origin: germline.
Comment: This sequence change replaces arginine, which is basic and polar, with glutamine, which is neutral and polar, at codon 317 of the ZNF513 protein (p.Arg317Gln). This variant is present in population databases (rs201047611, gnomAD 0.03%). This variant has not been reported in the literature in individuals affected with ZNF513-related conditions. ClinVar contains an entry for this variant (Variation ID: 335554). An algorithm developed to predict the effect of missense changes on protein structure and function outputs the following: PolyPhen-2: "Benign". The glutamine amino acid residue is found in multiple mammalian species, which suggests that this missense change does not adversely affect protein function. In summary, the available evidence is currently insufficient to determine the role of this variant in disease. Therefore, it has been classified as a Variant of Uncertain Significance.

Ambry Genetics
Classification: Uncertain significance. Last evaluated: 2024-06-26. Review status: criteria provided, single submitter. Criteria: Ambry Variant Classification Scheme 2023. Collection method: clinical testing. Allele origin: germline.

Blueprint Genetics
Classification: Uncertain significance. Last evaluated: 2024-05-28. Review status: criteria provided, single submitter. Criteria: ACMG Guidelines, 2015. Collection method: clinical testing. Allele origin: germline.

Illumina Laboratory Services, Illumina
Classification: Uncertain significance for Retinitis pigmentosa. Last evaluated: 2018-01-13. Review status: criteria provided, single submitter. Criteria: ICSL Variant Classification Criteria 13 December 2019. Collection method: clinical testing. Allele origin: germline.

Breakthrough Genomics
Classification: Uncertain significance. Review status: criteria provided, single submitter. Criteria: ACMG Guidelines, 2015. Collection method: not provided. Allele origin: germline. Inheritance: Autosomal recessive inheritance. Affected: yes.

Dr. Peter K. Rogan Lab, Western University
No classification provided (evidence only). Condition: Uterine corpus endometrial carcinoma. Review status: no classification provided. Collection method: in vitro. Allele origin: not applicable. Functional consequence: retained intron. Not counted in ClinVar's aggregate classification.